The following is an entry in ClinVar:

ClinVar aggregate classification (germline): Uncertain significance (1 of 4 stars; one submission).

Conditions:
Kabuki syndrome. Also called: Kabuki make-up syndrome; NIIKAWA-KUROKI SYNDROME. Identifiers: Orphanet 2322, MedGen C0796004, MONDO:0016512.

gnomAD v4.1: 3 of 1,551,586 alleles (0.00019%); highest among the groups gnomAD compares: Non-Finnish European, 0.00026%; no homozygotes.

Submission:

Labcorp Genetics (formerly Invitae), Labcorp
Classification: Uncertain significance for Kabuki syndrome. Last evaluated: 2024-10-24. Review status: criteria provided, single submitter. Criteria: Invitae Variant Classification Sherloc (09022015). Collection method: clinical testing. Allele origin: germline.
Comment: This sequence change replaces glutamine, which is neutral and polar, with arginine, which is basic and polar, at codon 3965 of the KMT2D protein (p.Gln3965Arg). This variant is not present in population databases (gnomAD no frequency). This variant has not been reported in the literature in individuals affected with KMT2D-related conditions. ClinVar contains an entry for this variant (Variation ID: 1949427). Invitae Evidence Modeling of protein sequence and biophysical properties (such as structural, functional, and spatial information, amino acid conservation, physicochemical variation, residue mobility, and thermodynamic stability) indicates that this missense variant is not expected to disrupt KMT2D protein function with a negative predictive value of 95%. In summary, the available evidence is currently insufficient to determine the role of this variant in disease. Therefore, it has been classified as a Variant of Uncertain Significance.

NM_003482.4(KMT2D):c.11894A>G (p.Gln3965Arg)

Gene: KMT2D (lysine methyltransferase 2D; minus strand). Cytogenetic location: 12q13.12.
Variant type: single nucleotide variant.
Coding change: c.11894A>G on transcript NM_003482.4 (MANE Select); coding-DNA position 11894, A replaced by G.
Protein change: p.Gln3965Arg; replaces glutamine 3965 with arginine.
Molecular consequence: missense variant.
Genome position (GRCh38, 1-based): chr12:49,032,811, T>C on the plus strand (A>G on the coding strand, the complement: KMT2D is on the minus strand). VCF-style: chr12-49032811-T-C. GRCh37 (hg19) VCF-style: chr12-49426594-T-C.
Other names: short protein forms Q3965R.
Identifiers: ClinVar variation 1949427 (VCV001949427.5), dbSNP rs1942994924, ClinGen allele CA384714294.